The following is an entry in ClinVar:

NM_033305.3(VPS13A):c.393_394insAATACAAG (p.Leu132fs)

Gene: VPS13A (vacuolar protein sorting 13 homolog A; plus strand). Cytogenetic location: 9q21.2.
Variant type: Insertion.
Coding change: c.393_394insAATACAAG on transcript NM_033305.3 (MANE Select); coding-DNA positions 393 to 394, AATACAAG inserted.
Protein change: p.Leu132fs; shifts the reading frame from leucine 132.
Molecular consequence: frameshift variant.
Genome position: GRCh38 VCF-style: chr9-77209430-T-TAATACAAG. GRCh37 (hg19) VCF-style: chr9-79824346-T-TAATACAAG.
Other names: c.393_394insAATACAAG, p.Leu132fs (NM_001018037.2, NM_001018038.3, NM_015186.4); short protein forms L132fs.
Identifiers: ClinVar variation 5010387 (VCV005010387.1).

ClinVar aggregate classification (germline): Pathogenic (1 of 4 stars; one submission).

Conditions:
VPS13A-related neurodegenerative disease. Also called: ACANTHOCYTOSIS WITH NEUROLOGIC DISORDER; LEVINE-CRITCHLEY SYNDROME; Choreoacanthocytosis; Chorea-acanthocytosis; Choreaacanthocytosis; VPS13A Disease. Identifiers: Orphanet 2388, MedGen C0393576, MONDO:0008695, OMIM 200150.

Submission:

Myriad Genetics, Inc.
Classification: Pathogenic for VPS13A-related neurodegenerative disease. Last evaluated: 2024-05-14. Review status: criteria provided, single submitter. Criteria: Myriad Autosomal Dominant, Autosomal Recessive and X-Linked Classification Criteria (2023). Collection method: clinical testing. Allele origin: unknown.
Comment: NM_033305.2(VPS13A):c.393_394ins8(L132Nfs*15) is expected to be pathogenic in the context of VPS13A disease. This variant is predicted to lead to an abnormal or absent protein product due to the creation of a premature termination codon in VPS13A, a gene where loss-of-function variants are known to be pathogenic. Please note: this variant was assessed in the context of healthy population screening.